The following is an entry in ClinVar:

NM_005529.7(HSPG2):c.6402G>A (p.Val2134=)

Gene: HSPG2 (heparan sulfate proteoglycan 2; minus strand). Cytogenetic location: 1p36.12.
Variant type: single nucleotide variant.
Coding change: c.6402G>A on transcript NM_005529.7 (MANE Select); coding-DNA position 6402, G replaced by A.
Protein change: p.Val2134=; no amino-acid change (valine 2134 retained).
Molecular consequence: synonymous variant.
Genome position (GRCh38, 1-based): chr1:21,854,230, C>T on the plus strand (G>A on the coding strand, the complement: HSPG2 is on the minus strand). VCF-style: chr1-21854230-C-T. GRCh37 (hg19) VCF-style: chr1-22180723-C-T.
Other names: c.6405G>A, p.Val2135= (NM_001291860.2); c.6402G>A (NM_005529.6).
Identifiers: ClinVar variation 285614 (VCV000285614.25), dbSNP rs12742444, ClinGen allele CA671576.
Genomic context (GRCh38, chr1:21,854,230, plus strand): 5'-CCCAGCCACACCTGGCTCCTCACCTGGGGTGTAGCTGGGGCCAGAATGGGTGCCGTGGAG[C>T]ACAGACACAGTAATGGAGGCCTCCTTGGGGCCCGATCCATTCTCCACACGGCACACATAT-3'
Protein context (NP_005520.4, residues 2124-2144): GPKEASITVS[Val2134=]LHGTHSGPSY

ClinVar aggregate classification (germline): Benign/Likely benign. Review status: criteria provided, multiple submitters, no conflicts (2 of 4 stars). 10 submissions from 8 submitters: Benign (9); Likely benign (1). Last evaluated 2026-02-04.

Conditions:
Lethal Kniest-like syndrome (DDSH). Also called: Dyssegmental Dysplasia. Identifiers: Orphanet 1865, MedGen C1857100, MONDO:0009140, OMIM 224410.
Schwartz-Jampel syndrome. Also called: Myotonic myopathy dwarfism chondrodystrophy and ocular and facial abnormalities. Identifiers: Orphanet 800, MedGen C0036391, MONDO:0009717.
Connective tissue disorder. Also called: Connective tissue disease. Identifiers: MedGen C0009782, MONDO:0003900.

Allele frequency attached by ClinVar (database versions not stated): gnomAD exomes 0.05806 and 0.04720; ExAC 0.08948; 1000 Genomes Project 30x 0.03201; 1000 Genomes Project 0.03454; TOPMed 0.03632; gnomAD 0.03814 and 0.04011; ESP Exome Variant Server 0.03935.
gnomAD v4.1: 89,713 of 1,596,184 alleles (5.6%); highest among the groups gnomAD compares: South Asian, 11%; 3,020 homozygotes.

Submissions (10):

Labcorp Genetics (formerly Invitae), Labcorp
Classification: Benign. Last evaluated: 2026-02-04. Review status: criteria provided, single submitter. Criteria: Invitae Variant Classification Sherloc (09022015). Collection method: clinical testing. Allele origin: germline.

Blueprint Genetics
Classification: Likely benign. Last evaluated: 2024-11-26. Review status: criteria provided, single submitter. Criteria: ACMG Guidelines, 2015. Collection method: clinical testing. Allele origin: germline.

Genome Diagnostics Laboratory, The Hospital for Sick Children
Classification: Benign for Connective tissue disorder. Last evaluated: 2022-06-03. Review status: criteria provided, single submitter. Criteria: ACMG Guidelines, 2015. Collection method: clinical testing. Allele origin: germline.

Genome-Nilou Lab
Classification: Benign for Lethal Kniest-like syndrome. Last evaluated: 2021-08-10. Review status: criteria provided, single submitter. Criteria: ACMG Guidelines, 2015. Collection method: clinical testing. Allele origin: germline. Affected: no.

Genome-Nilou Lab
Classification: Benign for Schwartz-Jampel syndrome type 1. Last evaluated: 2021-08-10. Review status: criteria provided, single submitter. Criteria: ACMG Guidelines, 2015. Collection method: clinical testing. Allele origin: germline. Affected: no.

GeneDx
Classification: Benign. Last evaluated: 2018-08-25. Review status: criteria provided, single submitter. Criteria: GeneDx Variant Classification Process June 2021. Collection method: clinical testing. Allele origin: germline. Affected: yes.

Illumina Laboratory Services, Illumina
Classification: Benign for Lethal Kniest-like syndrome. Last evaluated: 2018-01-12. Review status: criteria provided, single submitter. Criteria: ICSL Variant Classification Criteria 13 December 2019. Collection method: clinical testing. Allele origin: germline.
Comment: This variant was observed in the ICSL laboratory as part of a predisposition screen in an ostensibly healthy population. It had not been previously curated by ICSL or reported in the Human Gene Mutation Database (HGMD: prior to June 1st, 2018), and was therefore a candidate for classification through an automated scoring system. Utilizing variant allele frequency, disease prevalence and penetrance estimates, and inheritance mode, an automated score was calculated to assess if this variant is too frequent to cause the disease. Based on the score and internal cut-off values, a variant classified as benign is not then subjected to further curation. The score for this variant resulted in a classification of benign for this disease.

Illumina Laboratory Services, Illumina
Classification: Benign for Schwartz-Jampel syndrome type 1. Last evaluated: 2018-01-12. Review status: criteria provided, single submitter. Criteria: ICSL Variant Classification Criteria 13 December 2019. Collection method: clinical testing. Allele origin: germline.
Comment: the same text as in the submission from Illumina Laboratory Services, Illumina above.

Eurofins Ntd Llc (ga)
Classification: Benign. Last evaluated: 2016-03-15. Review status: criteria provided, single submitter. Criteria: EGL Classification Definitions 2015. Collection method: clinical testing. Allele origin: germline. Observed: 3 variant alleles, 3 heterozygotes.

Breakthrough Genomics
Classification: Benign. Review status: criteria provided, single submitter. Criteria: ACMG Guidelines, 2015. Collection method: not provided. Allele origin: germline. Inheritance: Autosomal recessive inheritance. Affected: yes.